The following is an entry in ClinVar:

ClinVar aggregate classification (germline): Uncertain significance (1 of 4 stars; one submission).

Conditions:
Inborn genetic diseases. Identifiers: MedGen C0950123, MeSH D030342.

gnomAD v4.1: 6 of 1,613,992 alleles (0.00037%); highest among the groups gnomAD compares: Non-Finnish European, 0.00051%; no homozygotes.

Submission:

Ambry Genetics
Classification: Uncertain significance for Inborn genetic diseases. Last evaluated: 2025-03-12. Review status: criteria provided, single submitter. Criteria: Ambry Variant Classification Scheme 2023. Collection method: clinical testing. Allele origin: germline.
Comment: The p.G792R variant (also known as c.2374G>C), located in coding exon 26 of the FANCA gene, results from a G to C substitution at nucleotide position 2374. The glycine at codon 792 is replaced by arginine, an amino acid with dissimilar properties. This amino acid position is conserved. In addition, this alteration is predicted to be tolerated by in silico analysis. Based on the available evidence, the clinical significance of this variant remains unclear.

NM_000135.4(FANCA):c.2374G>C (p.Gly792Arg)

Gene: FANCA (FA complementation group A; minus strand). Cytogenetic location: 16q24.3.
Variant type: single nucleotide variant.
Coding change: c.2374G>C on transcript NM_000135.4 (MANE Select); coding-DNA position 2374, G replaced by C.
Protein change: p.Gly792Arg; replaces glycine 792 with arginine.
Molecular consequence: missense variant.
Genome position (GRCh38, 1-based): chr16:89,769,967, C>G on the plus strand (G>C on the coding strand, the complement: FANCA is on the minus strand). VCF-style: chr16-89769967-C-G. GRCh37 (hg19) VCF-style: chr16-89836375-C-G.
Other names: c.2374G>C, p.Gly792Arg (NM_001286167.3); short protein forms G792R.
Identifiers: ClinVar variation 3848307 (VCV003848307.1).